The following is an entry in ClinVar:

ClinVar aggregate classification (germline): Pathogenic. Review status: reviewed by expert panel (3 of 4 stars). 4 submissions from 4 submitters: Pathogenic (1). 3 of the submissions do not count toward it. Last evaluated 2017-12-15.

Conditions:
Hereditary cancer-predisposing syndrome. Also called: Neoplastic Syndromes, Hereditary; Tumor predisposition; Hereditary neoplastic syndrome; Hereditary Cancer Syndrome. Identifiers: Orphanet 140162, MedGen C0027672, MeSH D009386, MONDO:0015356.
Hereditary breast ovarian cancer syndrome. Also called: Hereditary breast and ovarian cancer syndrome; Hereditary breast and ovarian cancer; Hereditary breast and ovarian cancer syndrome (HBOC); Breast and ovarian cancer; Hereditary breast and/or ovarian cancer syndrome; BRCA1- and BRCA2-Associated Hereditary Breast and Ovarian Cancer. Identifiers: Orphanet 145, MedGen C0677776, MeSH D061325, MONDO:0003582. Disease mechanism: loss of function.
Familial cancer of breast. Also called: BREAST CANCER, FAMILIAL; Hereditary breast cancer; hereditary breast carcinoma. Identifiers: Orphanet 227535, MedGen C0346153, MONDO:0016419, OMIM 114480. Disease mechanism: loss of function.
Breast-ovarian cancer, familial, susceptibility to, 2 (BROVCA2). Also called: BRCA2 Hereditary Breast and Ovarian Cancer. Identifiers: Orphanet 145, MedGen C2675520, MONDO:0012933, OMIM 612555. Disease mechanism: loss of function.

Submissions (4):

Evidence-based Network for the Interpretation of Germline Mutant Alleles (ENIGMA)
Classification: Pathogenic for Breast-ovarian cancer, familial, susceptibility to, 2. Last evaluated: 2017-12-15. Review status: reviewed by expert panel. Criteria: ENIGMA BRCA1/2 Classification Criteria (2017-06-29). Collection method: curation. Allele origin: germline. Study: ENIGMA.
Comment: Variant allele predicted to encode a truncated non-functional protein.

Labcorp Genetics (formerly Invitae), Labcorp
Classification: Pathogenic for Hereditary breast ovarian cancer syndrome. Last evaluated: 2023-07-03. Review status: criteria provided, single submitter. Criteria: Invitae Variant Classification Sherloc (09022015). Collection method: clinical testing. Allele origin: germline. Not counted in ClinVar's aggregate classification.
Comment: For these reasons, this variant has been classified as Pathogenic. ClinVar contains an entry for this variant (Variation ID: 52707). This variant is also known as 9178delT. This premature translational stop signal has been observed in individual(s) with breast cancer (PMID: 17851763, 30702160). This variant is not present in population databases (gnomAD no frequency). This sequence change creates a premature translational stop signal (p.Ser2984Glnfs*4) in the BRCA2 gene. It is expected to result in an absent or disrupted protein product. Loss-of-function variants in BRCA2 are known to be pathogenic (PMID: 20104584).

Ambry Genetics
Classification: Pathogenic for Hereditary cancer-predisposing syndrome. Last evaluated: 2023-04-10. Review status: criteria provided, single submitter. Criteria: Ambry Variant Classification Scheme 2023. Collection method: clinical testing. Allele origin: germline. Not counted in ClinVar's aggregate classification.
Comment: The c.8950delT pathogenic mutation, located in coding exon 21 of the BRCA2 gene, results from a deletion of one nucleotide at nucleotide position 8950, causing a translational frameshift with a predicted alternate stop codon (p.S2984Qfs*4). This alteration has been reported in Chinese individuals with indications for genetic testing for hereditary breast and ovarian cancer (Li WF et al. Breast Cancer Res Treat, 2008 Jul;110:99-109; Bhaskaran SP et al. Int J Cancer, 2019 Aug;145:962-973). This variant is considered to be rare based on population cohorts in the Genome Aggregation Database (gnomAD). In addition to the clinical data presented in the literature, this alteration is expected to result in loss of function by premature protein truncation or nonsense-mediated mRNA decay. As such, this alteration is interpreted as a disease-causing mutation.

ClinVar Staff, National Center for Biotechnology Information (NCBI)
No classification provided. Condition: Familial cancer of breast. Review status: no classification provided. Collection method: literature only. Allele origin: germline. Affected: yes. Not counted in ClinVar's aggregate classification.

Literature cited by the submitters: PubMed 17851763 (cited by 3 submitters); PubMed 30702160 (cited by Labcorp Genetics (formerly Invitae), Labcorp and Ambry Genetics); PubMed 20104584 (cited by Labcorp Genetics (formerly Invitae), Labcorp).

NM_000059.4(BRCA2):c.8950del (p.Ser2984fs)

Gene: BRCA2 (BRCA2 DNA repair associated; plus strand). Cytogenetic location: 13q13.1.
Variant type: Deletion.
Coding change: c.8950del on transcript NM_000059.4 (MANE Select); coding-DNA position 8950, one base deleted (T; older notation c.8950delT).
Protein change: p.Ser2984fs; shifts the reading frame from serine 2984.
Molecular consequence: frameshift variant.
Genome position (GRCh38, 1-based): chr13:32,379,512, T deleted; the last of 2 consecutive T bases (chr13:32,379,511-32,379,512); deleting either gives the same sequence. VCF-style (leftmost placement, unchanged base first): chr13-32379510-AT-A. GRCh37 (hg19) VCF-style: chr13-32953647-AT-A.
Other names: c.8950delT (NM_000059.3); short protein forms S2984fs.
Identifiers: ClinVar variation 52707 (VCV000052707.8), dbSNP rs397508022, ClinGen allele CA025885.